The following is an entry in ClinVar:

NM_030662.4(MAP2K2):c.669G>T (p.Met223Ile)

Gene: MAP2K2 (mitogen-activated protein kinase kinase 2; minus strand). Cytogenetic location: 19p13.3.
Variant type: single nucleotide variant.
Coding change: c.669G>T on transcript NM_030662.4 (MANE Select); coding-DNA position 669, G replaced by T.
Protein change: p.Met223Ile; replaces methionine 223 with isoleucine.
Molecular consequence: missense variant.
Genome position (GRCh38, 1-based): chr19:4,101,055, C>A on the plus strand (G>T on the coding strand, the complement: MAP2K2 is on the minus strand). VCF-style: chr19-4101055-C-A. GRCh37 (hg19) VCF-style: chr19-4101053-C-A.
Other names: c.669G>T, p.Met223Ile (NM_001440688.1); c.99G>T, p.Met33Ile (NM_001440689.1); short protein forms M33I, M223I.
Identifiers: ClinVar variation 4614561 (VCV004614561.1).

ClinVar aggregate classification (germline): Uncertain significance (1 of 4 stars; one submission).

Conditions:
Cardiovascular phenotype. Identifiers: MedGen CN230736.

Submission:

Ambry Genetics
Classification: Uncertain significance for Cardiovascular phenotype. Last evaluated: 2025-11-25. Review status: criteria provided, single submitter. Criteria: Ambry Variant Classification Scheme 2023. Collection method: clinical testing. Allele origin: germline.
Comment: The p.M223I variant (also known as c.669G>T), located in coding exon 6 of the MAP2K2 gene, results from a G to T substitution at nucleotide position 669. The methionine at codon 223 is replaced by isoleucine, an amino acid with highly similar properties. This amino acid position is conserved. In addition, the in silico prediction for this alteration is inconclusive. Based on the available evidence, the clinical significance of this variant remains unclear.